The following is an entry in ClinVar:

ClinVar aggregate classification (germline): Uncertain significance (1 of 4 stars; one submission).

Conditions:
LAMA2-related muscular dystrophy (LAMA2-RD). Also called: Laminin alpha 2-related dystrophy. Identifiers: MedGen C5679788, MONDO:0100228.

Submission:

Labcorp Genetics (formerly Invitae), Labcorp
Classification: Uncertain significance for LAMA2-related muscular dystrophy. Last evaluated: 2021-08-24. Review status: criteria provided, single submitter. Criteria: Invitae Variant Classification Sherloc (09022015). Collection method: clinical testing. Allele origin: germline.
Comment: This sequence change replaces asparagine with lysine at codon 1099 of the LAMA2 protein (p.Asn1099Lys). The asparagine residue is moderately conserved and there is a moderate physicochemical difference between asparagine and lysine. This variant is not present in population databases (ExAC no frequency). This variant has not been reported in the literature in individuals affected with LAMA2-related conditions. Advanced modeling of protein sequence and biophysical properties (such as structural, functional, and spatial information, amino acid conservation, physicochemical variation, residue mobility, and thermodynamic stability) performed at Invitae indicates that this missense variant is not expected to disrupt LAMA2 protein function. In summary, the available evidence is currently insufficient to determine the role of this variant in disease. Therefore, it has been classified as a Variant of Uncertain Significance.

NM_000426.4(LAMA2):c.3297C>A (p.Asn1099Lys)

Gene: LAMA2 (laminin subunit alpha 2; plus strand). Cytogenetic location: 6q22.33.
Variant type: single nucleotide variant.
Coding change: c.3297C>A on transcript NM_000426.4 (MANE Select); coding-DNA position 3297, C replaced by A.
Protein change: p.Asn1099Lys; replaces asparagine 1099 with lysine.
Molecular consequence: missense variant.
Genome position (GRCh38, 1-based): chr6:129,312,983, C>A. VCF-style: chr6-129312983-C-A. GRCh37 (hg19) VCF-style: chr6-129634128-C-A.
Other names: c.3297C>A, p.Asn1099Lys (NM_001079823.2); short protein forms N1099K.
Identifiers: ClinVar variation 1062915 (VCV001062915.6), dbSNP rs2114494239, ClinGen allele CA365611901.